The following is an entry in ClinVar:

NM_001042413.2(GLIS3):c.*2732G>A

Gene: GLIS3 (GLIS family zinc finger 3; minus strand). Cytogenetic location: 9p24.2.
Variant type: single nucleotide variant.
Coding change: c.*2732G>A on transcript NM_001042413.2 (MANE Select); 2732 bases downstream of the stop codon, G replaced by A.
Molecular consequence: 3 prime UTR variant.
Genome position (GRCh38, 1-based): chr9:3,825,540, C>T on the plus strand (G>A on the coding strand, the complement: GLIS3 is on the minus strand). VCF-style: chr9-3825540-C-T. GRCh37 (hg19) VCF-style: chr9-3825540-C-T.
Other names: c.*2732G>A (NM_152629.4).
Identifiers: ClinVar variation 366912 (VCV000366912.6), dbSNP rs1053280, ClinGen allele CA10633698.

ClinVar aggregate classification (germline): Benign. Review status: criteria provided, multiple submitters, no conflicts (2 of 4 stars). 2 submissions from 2 submitters: Benign (2). Last evaluated 2018-01-12.

Conditions:
Neonatal diabetes mellitus with congenital hypothyroidism. Also called: NDH SYNDROME. Identifiers: Orphanet 79118, MedGen C1857775, MONDO:0012436, OMIM 610199.

Allele frequency attached by ClinVar (database versions not stated): 1000 Genomes Project 0.79313; 1000 Genomes Project 30x 0.79341; TOPMed 0.83356; gnomAD 0.84277 and 0.84286.

Submissions (2):

Illumina Laboratory Services, Illumina
Classification: Benign for Neonatal diabetes mellitus with congenital hypothyroidism. Last evaluated: 2018-01-12. Review status: criteria provided, single submitter. Criteria: ICSL Variant Classification Criteria 13 December 2019. Collection method: clinical testing. Allele origin: germline.
Comment: This variant was observed in the ICSL laboratory as part of a predisposition screen in an ostensibly healthy population. It had not been previously curated by ICSL or reported in the Human Gene Mutation Database (HGMD: prior to June 1st, 2018), and was therefore a candidate for classification through an automated scoring system. Utilizing variant allele frequency, disease prevalence and penetrance estimates, and inheritance mode, an automated score was calculated to assess if this variant is too frequent to cause the disease. Based on the score and internal cut-off values, a variant classified as benign is not then subjected to further curation. The score for this variant resulted in a classification of benign for this disease.

Breakthrough Genomics
Classification: Benign. Review status: criteria provided, single submitter. Criteria: ACMG Guidelines, 2015. Collection method: not provided. Allele origin: germline. Inheritance: Autosomal recessive inheritance. Affected: yes.